The following is an entry in ClinVar:

NM_016252.4(BIRC6):c.1884G>A (p.Pro628=)

Gene: BIRC6 (baculoviral IAP repeat containing 6; plus strand). Cytogenetic location: 2p22.3.
Variant type: single nucleotide variant.
Coding change: c.1884G>A on transcript NM_016252.4 (MANE Select); coding-DNA position 1884, G replaced by A.
Protein change: p.Pro628=; no amino-acid change (proline 628 retained).
Molecular consequence: synonymous variant.
Genome position (GRCh38, 1-based): chr2:32,415,175, G>A. VCF-style: chr2-32415175-G-A. GRCh37 (hg19) VCF-style: chr2-32640243-G-A.
Other names: c.1800G>A, p.Pro600= (NM_001378125.1).
Identifiers: ClinVar variation 3048271 (VCV003048271.2), dbSNP rs148244969, ClinGen allele CA1602846.

ClinVar aggregate classification (germline): Likely benign (0 of 4 stars; one submission).

Conditions:
BIRC6-related disorder. Also called: BIRC6-related condition.

Allele frequency attached by ClinVar (database versions not stated): ExAC 0.00010; gnomAD 0.00013; ESP Exome Variant Server 0.00015; 1000 Genomes Project 30x 0.00016; 1000 Genomes Project 0.00020; TOPMed 0.00020.
gnomAD v4.1: 87 of 1,613,928 alleles (0.0054%); highest among the groups gnomAD compares: African/African-American, 0.02%; no homozygotes.

Submission:

PreventionGenetics, part of Exact Sciences
Classification: Likely benign for BIRC6-related condition. Last evaluated: 2019-12-18. Review status: no assertion criteria provided. Collection method: clinical testing. Allele origin: germline.
Comment: This variant is classified as likely benign based on ACMG/AMP sequence variant interpretation guidelines (Richards et al. 2015 PMID: 25741868, with internal and published modifications).